The following is an entry in ClinVar:

ClinVar aggregate classification (germline): Uncertain significance. Review status: criteria provided, multiple submitters, no conflicts (2 of 4 stars). 2 submissions from 2 submitters: Uncertain significance (2). Last evaluated 2024-07-14.

Conditions:
Inborn genetic diseases. Identifiers: MedGen C0950123, MeSH D030342.
Combined immunodeficiency due to LRBA deficiency. Also called: Common variable immunodeficiency 8, with autoimmunity. Identifiers: Orphanet 445018, MedGen C3553512, MONDO:0013863, OMIM 614700.

Allele frequency attached by ClinVar (database versions not stated): TOPMed below 0.00001; gnomAD 0.00001; gnomAD exomes 0.00001.
gnomAD v4.1: 7 of 1,611,480 alleles (0.00043%); highest among the groups gnomAD compares: Non-Finnish European, 0.00059%; no homozygotes.

Submissions (2):

Ambry Genetics
Classification: Uncertain significance for Inborn genetic diseases. Last evaluated: 2024-07-14. Review status: criteria provided, single submitter. Criteria: Ambry Variant Classification Scheme 2023. Collection method: clinical testing. Allele origin: germline.

Labcorp Genetics (formerly Invitae), Labcorp
Classification: Uncertain significance for Combined immunodeficiency due to LRBA deficiency. Last evaluated: 2021-12-08. Review status: criteria provided, single submitter. Criteria: Invitae Variant Classification Sherloc (09022015). Collection method: clinical testing. Allele origin: germline.
Comment: This sequence change replaces isoleucine, which is neutral and non-polar, with methionine, which is neutral and non-polar, at codon 1400 of the LRBA protein (p.Ile1400Met). This variant is not present in population databases (gnomAD no frequency). This variant has not been reported in the literature in individuals affected with LRBA-related conditions. ClinVar contains an entry for this variant (Variation ID: 583301). Algorithms developed to predict the effect of missense changes on protein structure and function (SIFT, PolyPhen-2, Align-GVGD) all suggest that this variant is likely to be tolerated. In summary, the available evidence is currently insufficient to determine the role of this variant in disease. Therefore, it has been classified as a Variant of Uncertain Significance.

NM_001364905.1(LRBA):c.4200A>G (p.Ile1400Met)

Gene: LRBA (LPS responsive beige-like anchor protein; minus strand). Cytogenetic location: 4q31.3.
Variant type: single nucleotide variant.
Coding change: c.4200A>G on transcript NM_001364905.1 (MANE Select); coding-DNA position 4200, A replaced by G.
Protein change: p.Ile1400Met; replaces isoleucine 1400 with methionine.
Molecular consequence: missense variant.
Genome position (GRCh38, 1-based): chr4:150,848,957, T>C on the plus strand (A>G on the coding strand, the complement: LRBA is on the minus strand). VCF-style: chr4-150848957-T-C. GRCh37 (hg19) VCF-style: chr4-151770109-T-C.
Other names: c.4200A>G, p.Ile1400Met (NM_001199282.3, NM_001367550.1, NM_006726.5); short protein forms I1400M.
Identifiers: ClinVar variation 583301 (VCV000583301.5), dbSNP rs1560909790, ClinGen allele CA358453462.
Genomic context (GRCh38, chr4:150,848,957, plus strand): 5'-TGCAAATATAAGCACATCCACAAGGCTAATTAGCCTCTGCAAAAATGTCACAGAGGCTTC[T>C]ATTGAAAGGCCTTGAGTAGGTTCAATATTTTCCAGTTCATGCTGTAAAGAATAAAGTTTG-3'
Protein context (NP_001351834.1, residues 1390-1410): ENIEPTQGLS[Ile1400Met]EASVTFLQRL